The following is an entry in ClinVar:

ClinVar aggregate classification (germline): Pathogenic (1 of 4 stars; one submission).

Conditions:
Autism spectrum disorder - epilepsy - arthrogryposis syndrome (AMRS). Identifiers: Orphanet 370943, MedGen C3809910, MONDO:0014248, OMIM 615553.

Submission:

Labcorp Genetics (formerly Invitae), Labcorp
Classification: Pathogenic for Autism spectrum disorder - epilepsy - arthrogryposis syndrome. Last evaluated: 2022-10-15. Review status: criteria provided, single submitter. Criteria: Invitae Variant Classification Sherloc (09022015). Collection method: clinical testing. Allele origin: germline.
Comment: This variant is a gross deletion of the genomic region encompassing exon(s) 4-5 of the SLC35A3 gene. This deletion is out-of-frame, and is expected to create a premature termination codon and result in an absent or disrupted protein product. Loss-of-function variants in SLC35A3 are known to be pathogenic (PMID: 24031089, 28328131). This variant has not been reported in the literature in individuals affected with SLC35A3-related conditions. For these reasons, this variant has been classified as Pathogenic.

Literature cited by the submitters: PubMed 24031089; PubMed 28328131.

NC_000001.10:g.(?_100472580)_(100477099_?)del

Gene: SLC35A3 (solute carrier family 35 member A3; plus strand). Cytogenetic location: 1p21.2.
Variant type: Deletion.
Identifiers: ClinVar variation 1071714 (VCV001071714.2).